The following is an entry in ClinVar:

ClinVar aggregate classification (germline): Likely benign (1 of 4 stars; one submission).

Allele frequency attached by ClinVar (database versions not stated): TOPMed 0.00001.

Submission:

ARUP Laboratories, Molecular Genetics and Genomics, ARUP Laboratories
Classification: Likely benign. Last evaluated: 2017-06-02. Review status: criteria provided, single submitter. Criteria: ARUP Molecular Germline Variant Investigation Process. Collection method: clinical testing. Allele origin: germline.
Comment: The C2orf71 c.2697C>T;p.Ser899Ser variant has not been described in the medical literature, gene-specific databases, or the ClinVar database. The variant is not listed in the dbSNP variant database nor in the general population-based databases. The nucleotide at this position is weakly conserved across species and computational algorithms (SpliceSiteFinder-like, MaxEntScan, NNSplice, GeneSplicer, Human Splicing Finder) predict no significant change to splicing. Considering available information, this variant is classified as likely benign.

NM_001029883.3(PCARE):c.2697C>T (p.Ser899=)

Gene: PCARE (photoreceptor cilium actin regulator; minus strand). Cytogenetic location: 2p23.2.
Variant type: single nucleotide variant.
Coding change: c.2697C>T on transcript NM_001029883.3 (MANE Select); coding-DNA position 2697, C replaced by T.
Protein change: p.Ser899=; no amino-acid change (serine 899 retained).
Molecular consequence: synonymous variant.
Genome position (GRCh38, 1-based): chr2:29,071,565, G>A on the plus strand (C>T on the coding strand, the complement: PCARE is on the minus strand). VCF-style: chr2-29071565-G-A. GRCh37 (hg19) VCF-style: chr2-29294431-G-A.
Identifiers: ClinVar variation 618000 (VCV000618000.8), dbSNP rs1558488488, ClinGen allele CA425617199.
Genomic context (GRCh38, chr2:29,071,565, plus strand): 5'-CTTCCTGGGCTGGCAGCTGCTCCTGCCACTCCCTGGCCCTGTGCTGTGAGGCTTGGTCAG[G>A]CTGGCGGTGCTCTTGCTGGGCAGCAAGTCCAGGGGGCTCACAGAGGCCCTCAGCTTTGGG-3'
Protein context (NP_001025054.1, residues 889-909): LDLLPSKSTA[Ser899=]LTKPHSTGPG